The following is an entry in ClinVar:

ClinVar aggregate classification (germline): Uncertain significance. Review status: criteria provided, multiple submitters, no conflicts (2 of 4 stars). 2 submissions from 2 submitters: Uncertain significance (2). Last evaluated 2024-10-10.

Conditions:
Immunodeficiency 14 (IMD14A). Also called: p110-DELTA-ACTIVATING MUTATION CAUSING SENESCENT T CELLS, LYMPHADENOPATHY, AND IMMUNODEFICIENCY; IMMUNODEFICIENCY 14A WITH LYMPHOPROLIFERATION, AUTOSOMAL DOMINANT; ACTIVATED PI3K-DELTA SYNDROME 1; Activated PI3K Delta Syndrome Type 1 (APDS1). Identifiers: Orphanet 397596, Orphanet 693661, MedGen C5907821, MONDO:0014222, OMIM 615513.

Allele frequency attached by ClinVar (database versions not stated): TOPMed below 0.00001; gnomAD exomes 0.00001 and 0.00003; gnomAD 0.00001; ExAC 0.00002.
gnomAD v4.1: 40 of 1,612,334 alleles (0.0025%); highest among the groups gnomAD compares: Non-Finnish European, 0.0032%; no homozygotes.

Submissions (2):

Blueprint Genetics
Classification: Uncertain significance. Last evaluated: 2024-10-10. Review status: criteria provided, single submitter. Criteria: ACMG Guidelines, 2015. Collection method: clinical testing. Allele origin: germline.

Labcorp Genetics (formerly Invitae), Labcorp
Classification: Uncertain significance for Activated PI3K-delta syndrome. Last evaluated: 2023-10-28. Review status: criteria provided, single submitter. Criteria: Invitae Variant Classification Sherloc (09022015). Collection method: clinical testing. Allele origin: germline.
Comment: This sequence change replaces aspartic acid, which is acidic and polar, with asparagine, which is neutral and polar, at codon 133 of the PIK3CD protein (p.Asp133Asn). This variant is present in population databases (rs754053878, gnomAD 0.002%). This variant has not been reported in the literature in individuals affected with PIK3CD-related conditions. ClinVar contains an entry for this variant (Variation ID: 636960). Advanced modeling of protein sequence and biophysical properties (such as structural, functional, and spatial information, amino acid conservation, physicochemical variation, residue mobility, and thermodynamic stability) performed at Invitae indicates that this missense variant is not expected to disrupt PIK3CD protein function with a negative predictive value of 80%. In summary, the available evidence is currently insufficient to determine the role of this variant in disease. Therefore, it has been classified as a Variant of Uncertain Significance.

NM_005026.5(PIK3CD):c.397G>A (p.Asp133Asn)

Gene: PIK3CD (phosphatidylinositol-4,5-bisphosphate 3-kinase catalytic subunit delta; plus strand). Cytogenetic location: 1p36.22.
Variant type: single nucleotide variant.
Coding change: c.397G>A on transcript NM_005026.5 (MANE Select); coding-DNA position 397, G replaced by A.
Protein change: p.Asp133Asn; replaces aspartic acid 133 with asparagine.
Molecular consequence: missense variant.
Genome position (GRCh38, 1-based): chr1:9,715,875, G>A. VCF-style: chr1-9715875-G-A. GRCh37 (hg19) VCF-style: chr1-9775933-G-A.
Other names: c.397G>A (LRG_191t1); c.397G>A, p.Asp133Asn (NM_001350234.2, NM_001350235.1); short protein forms D133N.
Identifiers: ClinVar variation 636960 (VCV000636960.10), dbSNP rs754053878, ClinGen allele CA576871.